The following is an entry in ClinVar:

ClinVar aggregate classification (germline): Likely pathogenic (1 of 4 stars; one submission).

Conditions:
Alstrom syndrome (ALMS). Identifiers: Orphanet 64, MedGen C0268425, MONDO:0008763, OMIM 203800.

Allele frequency attached by ClinVar (database versions not stated): gnomAD exomes below 0.00001.
gnomAD v4.1: 1 of 1,613,174 alleles (0.000062%); highest among the groups gnomAD compares: Non-Finnish European, 0.000085%; no homozygotes.

Submission:

Myriad Genetics, Inc.
Classification: Likely pathogenic for Alstrom syndrome. Last evaluated: 2022-03-31. Review status: criteria provided, single submitter. Criteria: Myriad Women's Health Autosomal Recessive and X-Linked Classification Criteria (2021). Collection method: clinical testing. Allele origin: unknown.
Comment: NM_015120.4(ALMS1):c.7547G>A(W2516*) is expected to be pathogenic in the context of Alstrom syndrome. This variant is predicted to lead to an abnormal or absent protein product due to the creation of a premature termination codon in ALMS1, a gene where loss-of-function variants are known to be pathogenic. Please note: this variant was assessed in the context of healthy population screening.

NM_001378454.1(ALMS1):c.7544G>A (p.Trp2515Ter)

Gene: ALMS1 (ALMS1 centrosome and basal body associated protein; plus strand). Cytogenetic location: 2p13.1.
Variant type: single nucleotide variant.
Coding change: c.7544G>A on transcript NM_001378454.1 (MANE Select); coding-DNA position 7544, G replaced by A.
Protein change: p.Trp2515Ter; replaces tryptophan 2515 with a stop codon.
Molecular consequence: nonsense.
Genome position (GRCh38, 1-based): chr2:73,455,165, G>A. VCF-style: chr2-73455165-G-A. GRCh37 (hg19) VCF-style: chr2-73682292-G-A.
Other names: c.7547G>A, p.Trp2516Ter (NM_015120.4); short protein forms W2515*, W2516*.
Identifiers: ClinVar variation 1725674 (VCV001725674.2), dbSNP rs2466115526, ClinGen allele CA347292924.